The following is an entry in ClinVar:

NM_000540.3(RYR1):c.10627-255T>C

Gene: RYR1 (ryanodine receptor 1; plus strand). Cytogenetic location: 19q13.2.
Variant type: single nucleotide variant.
Coding change: c.10627-255T>C on transcript NM_000540.3 (MANE Select); 255 bases into the intron before coding-DNA position 10627, T replaced by C.
Molecular consequence: intron variant.
Genome position (GRCh38, 1-based): chr19:38,526,738, T>C. VCF-style: chr19-38526738-T-C. GRCh37 (hg19) VCF-style: chr19-39017378-T-C.
Other names: c.10612-255T>C (NM_001042723.2).
Identifiers: ClinVar variation 132998 (VCV000132998.2), dbSNP rs2254484, ClinGen allele CA023851.

ClinVar aggregate classification (germline): Benign. Review status: criteria provided, single submitter (1 of 4 stars). 2 submissions from 2 submitters: Benign (1). 1 of the submissions does not count toward it. Last evaluated 2018-06-14.

Allele frequency attached by ClinVar (database versions not stated): gnomAD 0.27819 and 0.28054; TOPMed 0.29092; 1000 Genomes Project 30x 0.34557; 1000 Genomes Project 0.34984.
gnomAD v4.1: 42,574 of 151,842 alleles (28%); highest among the groups gnomAD compares: African/African-American, 40%; 6,636 homozygotes.

Submissions (2):

GeneDx
Classification: Benign. Last evaluated: 2018-06-14. Review status: criteria provided, single submitter. Criteria: GeneDx Variant Classification (06012015). Collection method: clinical testing. Allele origin: germline. Affected: yes.
Comment: This variant is considered likely benign or benign based on one or more of the following criteria: it is a conservative change, it occurs at a poorly conserved position in the protein, it is predicted to be benign by multiple in silico algorithms, and/or has population frequency not consistent with disease.

RYR1 database
No classification provided. Review status: no classification provided. Collection method: not provided. Allele origin: unknown. Not counted in ClinVar's aggregate classification.